The following is an entry in ClinVar:

ClinVar aggregate classification (germline): Uncertain significance. Review status: criteria provided, multiple submitters, no conflicts (2 of 4 stars). 2 submissions from 2 submitters: Uncertain significance (2). Last evaluated 2024-11-26.

Conditions:
Junctional epidermolysis bullosa with pyloric atresia. Also called: APLASIA CUTIS CONGENITA WITH GASTROINTESTINAL ATRESIA; CARMI SYNDROME; EB-PA-ACC; ITGB4-Related Epidermolysis Bullosa with Pyloric Atresia; Epidermolysis bullosa, junctional, with pyloric atresia and aplasia cutis congenita; Epidermolysis bullosa junctionalis with pyloric atresia. Identifiers: Orphanet 79403, MedGen C5676875, MONDO:0009183, OMIM 226730.
Epidermolysis bullosa, junctional 5A, intermediate. Also called: EPIDERMOLYSIS BULLOSA, JUNCTIONAL 5A, GENERALIZED INTERMEDIATE; EPIDERMOLYSIS BULLOSA, JUNCTIONAL 5A, NON-HERLITZ TYPE. Identifiers: MedGen C5676956, MONDO:0030768, OMIM 619816.

gnomAD v4.1: 50 of 1,613,714 alleles (0.0031%); highest among the groups gnomAD compares: South Asian, 0.0055%; no homozygotes.

Submissions (2):

GeneDx
Classification: Uncertain significance. Last evaluated: 2024-11-26. Review status: criteria provided, single submitter. Criteria: GeneDx Variant Classification Process June 2021. Collection method: clinical testing. Allele origin: germline. Affected: yes.
Comment: In silico analysis supports that this missense variant has a deleterious effect on protein structure/function; Has not been previously published as pathogenic or benign to our knowledge

Fulgent Genetics
Classification: Uncertain significance for Junctional epidermolysis bullosa with pyloric atresia; Epidermolysis bullosa, junctional 5A, intermediate. Last evaluated: 2024-01-09. Review status: criteria provided, single submitter. Criteria: ACMG Guidelines, 2015. Collection method: clinical testing. Allele origin: germline.

NM_000213.5(ITGB4):c.3861C>A (p.Asn1287Lys)

Genes: GALK1 (galactokinase 1; minus strand), ITGB4 (integrin subunit beta 4; plus strand). Cytogenetic location: 17q25.1.
Variant type: single nucleotide variant.
Coding change: c.3861C>A on transcript NM_000213.5 (MANE Select); coding-DNA position 3861, C replaced by A.
Protein change: p.Asn1287Lys; replaces asparagine 1287 with lysine.
Molecular consequence: missense variant. On other transcripts: intron variant (1).
Genome position (GRCh38, 1-based): chr17:75,752,241, C>A. VCF-style: chr17-75752241-C-A. GRCh37 (hg19) VCF-style: chr17-73748322-C-A.
Other names: c.3861C>A (NM_000213.3); c.3861C>A, p.Asn1287Lys (NM_001005619.2, NM_001005731.3, NM_001321123.2 and 1 more transcripts); c.*23-504G>T (NM_001381985.1); short protein forms N1287K.
Identifiers: ClinVar variation 3582983 (VCV003582983.2).